The following is an entry in ClinVar:

ClinVar aggregate classification (germline): Uncertain significance (1 of 4 stars; one submission).

Conditions:
Inborn genetic diseases. Identifiers: MedGen C0950123, MeSH D030342.

Submission:

Ambry Genetics
Classification: Uncertain significance for Inborn genetic diseases. Last evaluated: 2025-05-09. Review status: criteria provided, single submitter. Criteria: Ambry Variant Classification Scheme 2023. Collection method: clinical testing. Allele origin: germline.
Comment: The p.W984S variant (also known as c.2951G>C), located in coding exon 13 of the BMPR2 gene, results from a G to C substitution at nucleotide position 2951. The tryptophan at codon 984 is replaced by serine, an amino acid with highly dissimilar properties. This amino acid position is conserved. In addition, this alteration is predicted to be deleterious by in silico analysis. Based on the available evidence, the clinical significance of this variant remains unclear.

NM_001204.7(BMPR2):c.2951G>C (p.Trp984Ser)

Gene: BMPR2 (bone morphogenetic protein receptor type 2; plus strand). Cytogenetic location: 2q33.2.
Variant type: single nucleotide variant.
Coding change: c.2951G>C on transcript NM_001204.7 (MANE Select); coding-DNA position 2951, G replaced by C.
Protein change: p.Trp984Ser; replaces tryptophan 984 with serine.
Molecular consequence: missense variant.
Genome position (GRCh38, 1-based): chr2:202,559,780, G>C. VCF-style: chr2-202559780-G-C. GRCh37 (hg19) VCF-style: chr2-203424503-G-C.
Other names: short protein forms W984S.
Identifiers: ClinVar variation 3992156 (VCV003992156.1).